The following is an entry in ClinVar:

NM_000179.3(MSH6):c.968C>A (p.Thr323Asn)

Gene: MSH6 (mutS homolog 6; plus strand). Cytogenetic location: 2p16.3.
Variant type: single nucleotide variant.
Coding change: c.968C>A on transcript NM_000179.3 (MANE Select); coding-DNA position 968, C replaced by A.
Protein change: p.Thr323Asn; replaces threonine 323 with asparagine.
Molecular consequence: missense variant.
Genome position (GRCh38, 1-based): chr2:47,798,951, C>A. VCF-style: chr2-47798951-C-A. GRCh37 (hg19) VCF-style: chr2-48026090-C-A.
Other names: c.578C>A, p.Thr193Asn (NM_001281492.2); c.62C>A, p.Thr21Asn (NM_001281493.2, NM_001281494.2); short protein forms T193N, T21N, T323N.
Identifiers: ClinVar variation 823398 (VCV000823398.14), dbSNP rs777890307, ClinGen allele CA346740929.

ClinVar aggregate classification (germline): Conflicting classifications of pathogenicity. Review status: criteria provided, conflicting classifications (1 of 4 stars). 4 submissions from 4 submitters: Uncertain significance (3); Benign (1). Last evaluated 2024-04-22.

Conditions:
Hereditary nonpolyposis colorectal neoplasms. Identifiers: MedGen C0009405, MeSH D003123.
Endometrial carcinoma. Also called: Endometrial carcinoma, somatic. Identifiers: MedGen C0476089, MONDO:0002447, OMIM 608089, HP:0012114.
Hereditary cancer-predisposing syndrome. Also called: Tumor predisposition; Hereditary Cancer Syndrome; Neoplastic Syndromes, Hereditary; Hereditary neoplastic syndrome. Identifiers: Orphanet 140162, MedGen C0027672, MeSH D009386, MONDO:0015356.

Allele frequency attached by ClinVar (database versions not stated): TOPMed below 0.00001.

Submissions (4):

Labcorp Genetics (formerly Invitae), Labcorp
Classification: Benign for Hereditary nonpolyposis colorectal neoplasms. Last evaluated: 2024-04-22. Review status: criteria provided, single submitter. Criteria: Invitae Variant Classification Sherloc (09022015). Collection method: clinical testing. Allele origin: germline.

Baylor Genetics
Classification: Uncertain significance for Endometrial carcinoma. Last evaluated: 2023-08-08. Review status: criteria provided, single submitter. Criteria: ACMG Guidelines, 2015. Collection method: clinical testing. Allele origin: unknown.

GeneDx
Classification: Uncertain significance. Last evaluated: 2023-06-30. Review status: criteria provided, single submitter. Criteria: GeneDx Variant Classification Process June 2021. Collection method: clinical testing. Allele origin: germline. Affected: yes.
Comment: Not observed at significant frequency in large population cohorts (gnomAD); In silico analysis supports that this missense variant does not alter protein structure/function; Has not been previously published as pathogenic or benign to our knowledge; This variant is associated with the following publications: (PMID: 21437237)

Ambry Genetics
Classification: Uncertain significance for Hereditary cancer-predisposing syndrome. Last evaluated: 2023-06-08. Review status: criteria provided, single submitter. Criteria: Ambry Variant Classification Scheme 2023. Collection method: clinical testing. Allele origin: germline.
Comment: The p.T323N variant (also known as c.968C>A), located in coding exon 4 of the MSH6 gene, results from a C to A substitution at nucleotide position 968. The threonine at codon 323 is replaced by asparagine, an amino acid with similar properties. This amino acid position is not well conserved in available vertebrate species. In addition, this alteration is predicted to be tolerated by in silico analysis. Since supporting evidence is limited at this time, the clinical significance of this alteration remains unclear.